The following is an entry in ClinVar:

ClinVar aggregate classification (germline): Uncertain significance (1 of 4 stars; one submission).

Conditions:
EAST syndrome (SESAMES). Also called: SEIZURES, SENSORINEURAL DEAFNESS, ATAXIA, IMPAIRED INTELLECTUAL DEVELOPMENT, AND ELECTROLYTE IMBALANCE. Identifiers: Orphanet 199343, MedGen C2748572, MONDO:0013005, OMIM 612780.

Submission:

Labcorp Genetics (formerly Invitae), Labcorp
Classification: Uncertain significance for EAST syndrome. Last evaluated: 2024-05-31. Review status: criteria provided, single submitter. Criteria: Invitae Variant Classification Sherloc (09022015). Collection method: clinical testing. Allele origin: germline.
Comment: This sequence change replaces proline, which is neutral and non-polar, with serine, which is neutral and polar, at codon 101 of the KCNJ10 protein (p.Pro101Ser). This variant is not present in population databases (gnomAD no frequency). This variant has not been reported in the literature in individuals affected with KCNJ10-related conditions. ClinVar contains an entry for this variant (Variation ID: 863438). An algorithm developed to predict the effect of missense changes on protein structure and function (PolyPhen-2) suggests that this variant is likely to be tolerated. In summary, the available evidence is currently insufficient to determine the role of this variant in disease. Therefore, it has been classified as a Variant of Uncertain Significance.

NM_002241.5(KCNJ10):c.301C>T (p.Pro101Ser)

Gene: KCNJ10 (potassium inwardly rectifying channel subfamily J member 10; minus strand). Cytogenetic location: 1q23.2.
Variant type: single nucleotide variant.
Coding change: c.301C>T on transcript NM_002241.5 (MANE Select); coding-DNA position 301, C replaced by T.
Protein change: p.Pro101Ser; replaces proline 101 with serine.
Molecular consequence: missense variant.
Genome position (GRCh38, 1-based): chr1:160,042,232, G>A on the plus strand (C>T on the coding strand, the complement: KCNJ10 is on the minus strand). VCF-style: chr1-160042232-G-A. GRCh37 (hg19) VCF-style: chr1-160012022-G-A.
Other names: short protein forms P101S.
Identifiers: ClinVar variation 863438 (VCV000863438.10), dbSNP rs375361490, ClinGen allele CA343228820.